The following is an entry in ClinVar:

NM_022455.5(NSD1):c.7510G>A (p.Val2504Ile)

Gene: NSD1 (nuclear receptor binding SET domain protein 1; plus strand). Cytogenetic location: 5q35.3.
Variant type: single nucleotide variant.
Coding change: c.7510G>A on transcript NM_022455.5 (MANE Select); coding-DNA position 7510, G replaced by A.
Protein change: p.Val2504Ile; replaces valine 2504 with isoleucine.
Molecular consequence: missense variant.
Genome position (GRCh38, 1-based): chr5:177,294,878, G>A. VCF-style: chr5-177294878-G-A. GRCh37 (hg19) VCF-style: chr5-176721879-G-A.
Other names: c.6637G>A, p.Val2213Ile (NM_001365684.2, NM_001409308.1, NM_172349.5); c.7510G>A, p.Val2504Ile (NM_001409301.1, NM_001409302.1, NM_001409303.1); c.7090G>A, p.Val2364Ile (NM_001409304.1); c.6757G>A, p.Val2253Ile (NM_001409305.1); c.6748G>A, p.Val2250Ile (NM_001409306.1, NM_001409307.1); c.6388G>A, p.Val2130Ile (NM_001409309.1); short protein forms V2235I, V2504I, V2364I, V2250I, V2253I, V2130I, V2213I.
Identifiers: ClinVar variation 1311892 (VCV001311892.4), dbSNP rs1005975383, ClinGen allele CA132863159.
Genomic context (GRCh38, chr5:177,294,878, plus strand): 5'-CCAGTGTTGGAGTCAAGTTCATGGCCTGCCAGCAAAGGTCTGGGGCATATGCCGAGAGCT[G>A]TTGAGAAAGGCTGTGTGTCAGATCCTCTTCAGACATCTGGGAAAGCAGCAGCCCCTTCAG-3'
Protein context (NP_071900.2, residues 2494-2514): SKGLGHMPRA[Val2504Ile]EKGCVSDPLQ

ClinVar aggregate classification (germline): Uncertain significance. Review status: criteria provided, multiple submitters, no conflicts (2 of 4 stars). 2 submissions from 2 submitters: Uncertain significance (2). Last evaluated 2021-08-17.

Conditions:
Sotos syndrome (SOTOS). Also called: CHROMOSOME 5q35 DELETION SYNDROME; SOTOS SYNDROME 1; Distinctive facial appearance, overgrowth in childhood, and learning disabilities or delayed development; CEREBRAL GIGANTISM; Sotos' syndrome. Identifiers: Orphanet 821, MedGen C0175695, MONDO:0019349, OMIM 117550.

gnomAD v4.1: 2 of 1,613,474 alleles (0.00012%); highest among the groups gnomAD compares: Non-Finnish European, 0.00017%; no homozygotes.

Submissions (2):

Fulgent Genetics
Classification: Uncertain significance for Sotos syndrome. Last evaluated: 2021-08-17. Review status: criteria provided, single submitter. Criteria: ACMG Guidelines, 2015. Collection method: clinical testing. Allele origin: unknown.

GeneDx
Classification: Uncertain significance. Last evaluated: 2020-01-15. Review status: criteria provided, single submitter. Criteria: GeneDx Variant Classification Process June 2021. Collection method: clinical testing. Allele origin: germline. Affected: yes.
Comment: Not observed in large population cohorts (Lek et al., 2016); In silico analysis, which includes protein predictors and evolutionary conservation, supports that this variant does not alter protein structure/function; Has not been previously published as pathogenic or benign to our knowledge